The following is an entry in ClinVar:

NM_052947.4(ALPK2):c.1150G>A (p.Gly384Arg)

Genes: ALPK2 (alpha kinase 2; minus strand), LOC114803473 (ALPK2 eExon liver enhancer; plus strand). Cytogenetic location: 18q21.31.
Variant type: single nucleotide variant.
Coding change: c.1150G>A on transcript NM_052947.4 (MANE Select); coding-DNA position 1150, G replaced by A.
Protein change: p.Gly384Arg; replaces glycine 384 with arginine.
Molecular consequence: missense variant.
Genome position (GRCh38, 1-based): chr18:58,579,626, C>T on the plus strand (G>A on the coding strand, the complement: ALPK2 is on the minus strand). VCF-style: chr18-58579626-C-T. GRCh37 (hg19) VCF-style: chr18-56246858-C-T.
Other names: short protein forms G384R.
Identifiers: ClinVar variation 2450707 (VCV002450707.2), dbSNP rs991756104, ClinGen allele CA300927276.

ClinVar aggregate classification (germline): Uncertain significance (1 of 4 stars; one submission).

Allele frequency attached by ClinVar (database versions not stated): gnomAD exomes below 0.00001; TOPMed 0.00001; gnomAD 0.00005.
gnomAD v4.1: 18 of 1,614,082 alleles (0.0011%); highest among the groups gnomAD compares: Admixed American, 0.012%; no homozygotes.

Submission:

Ambry Genetics
Classification: Uncertain significance. Last evaluated: 2023-03-06. Review status: criteria provided, single submitter. Criteria: Ambry Variant Classification Scheme 2023. Collection method: clinical testing. Allele origin: germline.
Comment: The p.G384R variant (also known as c.1150G>A), located in coding exon 3 of the ALPK2 gene, results from a G to A substitution at nucleotide position 1150. The glycine at codon 384 is replaced by arginine, an amino acid with dissimilar properties. This amino acid position is conserved. In addition, this alteration is predicted to be tolerated by in silico analysis. Since supporting evidence is limited at this time, the clinical significance of this alteration remains unclear.